The following is an entry in ClinVar:

NM_014476.6(PDLIM3):c.501G>A (p.Ala167=)

Gene: PDLIM3 (PDZ and LIM domain 3; minus strand). Cytogenetic location: 4q35.1.
Variant type: single nucleotide variant.
Coding change: c.501G>A on transcript NM_014476.6 (MANE Select); coding-DNA position 501, G replaced by A.
Protein change: p.Ala167=; no amino-acid change (alanine 167 retained).
Molecular consequence: synonymous variant. On other transcripts: intron variant (3).
Genome position (GRCh38, 1-based): chr4:185,508,460, C>T on the plus strand (G>A on the coding strand, the complement: PDLIM3 is on the minus strand). VCF-style: chr4-185508460-C-T. GRCh37 (hg19) VCF-style: chr4-186429614-C-T.
Other names: c.162-1808G>A (NM_001257963.2); c.399-1808G>A (NM_001257962.2); c.519-1808G>A (NM_001114107.5).
Identifiers: ClinVar variation 386638 (VCV000386638.8), dbSNP rs142771915, ClinGen allele CA3159763.
Genomic context (GRCh38, chr4:185,508,460, plus strand): 5'-ATGTACAATCTTCACACCAGGAAGTTCCATTTCCAAAGGAATGTTAGGGGCCAGCTTAGC[C>T]GCAACTTTCAAGTCACCTGGGCAAATGGTACTAACAGTACTGACAGAAGAAGGGGTGCTG-3'
Protein context (NP_055291.2, residues 157-177): STICPGDLKV[Ala167=]AKLAPNIPLE

ClinVar aggregate classification (germline): Likely benign. Review status: criteria provided, multiple submitters, no conflicts (2 of 4 stars). 3 submissions from 3 submitters: Likely benign (3). Last evaluated 2025-08-12.

Conditions:
Primary dilated cardiomyopathy (DCM). Also called: Dilated Cardiomyopathy. Identifiers: Orphanet 217604, MedGen C0007193, MeSH D002311, MONDO:0005021, HP:0001644. Inheritance: Various modes of inheritance.
Hypertrophic cardiomyopathy. Also called: HYPERTROPHIC MYOCARDIOPATHY. Identifiers: Orphanet 217569, MedGen C0007194, MeSH D002312, MONDO:0005045, HP:0001639.

Allele frequency attached by ClinVar (database versions not stated): gnomAD 0.00002; gnomAD exomes 0.00003; TOPMed 0.00003; ExAC 0.00004; ESP Exome Variant Server 0.00023.
gnomAD v4.1: 57 of 1,614,028 alleles (0.0035%); highest among the groups gnomAD compares: Non-Finnish European, 0.0042%; no homozygotes.

Submissions (3):

Labcorp Genetics (formerly Invitae), Labcorp
Classification: Likely benign for Hypertrophic cardiomyopathy; Primary dilated cardiomyopathy. Last evaluated: 2025-08-12. Review status: criteria provided, single submitter. Criteria: Invitae Variant Classification Sherloc (09022015). Collection method: clinical testing. Allele origin: germline.

Ambry Genetics
Classification: Likely benign. Last evaluated: 2022-02-16. Review status: criteria provided, single submitter. Criteria: Ambry Variant Classification Scheme 2023. Collection method: clinical testing. Allele origin: germline.

GeneDx
Classification: Likely benign. Last evaluated: 2016-05-27. Review status: criteria provided, single submitter. Criteria: GeneDx Variant Classification (06012015). Collection method: clinical testing. Allele origin: germline. Affected: yes.
Comment: This variant is considered likely benign or benign based on one or more of the following criteria: it is a conservative change, it occurs at a poorly conserved position in the protein, it is predicted to be benign by multiple in silico algorithms, and/or has population frequency not consistent with disease.